The following is an entry in ClinVar:

ClinVar aggregate classification (germline): Uncertain significance (1 of 4 stars; one submission).

Allele frequency attached by ClinVar (database versions not stated): gnomAD exomes below 0.00001; TOPMed 0.00003.
gnomAD v4.1: 5 of 1,614,182 alleles (0.00031%); highest among the groups gnomAD compares: East Asian, 0.0067%; no homozygotes.

Submission:

Labcorp Genetics (formerly Invitae), Labcorp
Classification: Uncertain significance. Last evaluated: 2025-04-26. Review status: criteria provided, single submitter. Criteria: Invitae Variant Classification Sherloc (09022015). Collection method: clinical testing. Allele origin: germline.
Comment: This sequence change replaces cysteine, which is neutral and slightly polar, with tyrosine, which is neutral and polar, at codon 111 of the ASXL1 protein (p.Cys111Tyr). This variant is present in population databases (no rsID available, gnomAD 0.006%). This variant has not been reported in the literature in individuals affected with ASXL1-related conditions. ClinVar contains an entry for this variant (Variation ID: 1916707). An algorithm developed to predict the effect of missense changes on protein structure and function (PolyPhen-2) suggests that this variant is likely to be disruptive. In summary, the available evidence is currently insufficient to determine the role of this variant in disease. Therefore, it has been classified as a Variant of Uncertain Significance.

NM_015338.6(ASXL1):c.332G>A (p.Cys111Tyr)

Gene: ASXL1 (ASXL transcriptional regulator 1; plus strand). Cytogenetic location: 20q11.21.
Variant type: single nucleotide variant.
Coding change: c.332G>A on transcript NM_015338.6 (MANE Select); coding-DNA position 332, G replaced by A.
Protein change: p.Cys111Tyr; replaces cysteine 111 with tyrosine.
Molecular consequence: missense variant.
Genome position (GRCh38, 1-based): chr20:32,428,207, G>A. VCF-style: chr20-32428207-G-A. GRCh37 (hg19) VCF-style: chr20-31016010-G-A.
Other names: c.302G>A, p.Cys101Tyr (NM_001363734.1); short protein forms C101Y, C111Y.
Identifiers: ClinVar variation 1916707 (VCV001916707.5), dbSNP rs987968539, ClinGen allele CA313924095.